The following is an entry in ClinVar:

NM_012448.4(STAT5B):c.1357A>G (p.Asn453Asp)

Gene: STAT5B (signal transducer and activator of transcription 5B; minus strand). Cytogenetic location: 17q21.2.
Variant type: single nucleotide variant.
Coding change: c.1357A>G on transcript NM_012448.4 (MANE Select); coding-DNA position 1357, A replaced by G.
Protein change: p.Asn453Asp; replaces asparagine 453 with aspartic acid.
Molecular consequence: missense variant.
Genome position (GRCh38, 1-based): chr17:42,217,183, T>C on the plus strand (A>G on the coding strand, the complement: STAT5B is on the minus strand). VCF-style: chr17-42217183-T-C. GRCh37 (hg19) VCF-style: chr17-40369201-T-C.
Other names: short protein forms N453D.
Identifiers: ClinVar variation 3647952 (VCV003647952.2).

ClinVar aggregate classification (germline): Uncertain significance (1 of 4 stars; one submission).

Conditions:
Growth hormone insensitivity with immune dysregulation 1, autosomal recessive. Also called: GROWTH HORMONE INSENSITIVITY DUE TO POSTRECEPTOR DEFECT; LARON SYNDROME DUE TO POSTRECEPTOR DEFECT; GROWTH HORMONE INSENSITIVITY SYNDROME WITH IMMUNE DYSREGULATION 1, AUTOSOMAL RECESSIVE; Laron syndrome with immunodeficiency. Identifiers: Orphanet 220465, MedGen C5435698, MONDO:0100211, OMIM 245590.

Submission:

Labcorp Genetics (formerly Invitae), Labcorp
Classification: Uncertain significance for Growth hormone insensitivity with immune dysregulation 1, autosomal recessive. Last evaluated: 2024-03-28. Review status: criteria provided, single submitter. Criteria: Invitae Variant Classification Sherloc (09022015). Collection method: clinical testing. Allele origin: germline.
Comment: This sequence change replaces asparagine, which is neutral and polar, with aspartic acid, which is acidic and polar, at codon 453 of the STAT5B protein (p.Asn453Asp). This variant is not present in population databases (gnomAD no frequency). This variant has not been reported in the literature in individuals affected with STAT5B-related conditions. An algorithm developed to predict the effect of missense changes on protein structure and function (PolyPhen-2) suggests that this variant is likely to be tolerated. In summary, the available evidence is currently insufficient to determine the role of this variant in disease. Therefore, it has been classified as a Variant of Uncertain Significance.